The following is an entry in ClinVar:

NM_001142800.2(EYS):c.8541T>A (p.Cys2847Ter)

Genes: EYS (EGF-like photoreceptor maintenance factor; minus strand), PHF3 (PHD finger protein 3; plus strand). Cytogenetic location: 6q12.
Variant type: single nucleotide variant.
Coding change: c.8541T>A on transcript NM_001142800.2 (MANE Select); coding-DNA position 8541, T replaced by A.
Protein change: p.Cys2847Ter; replaces cysteine 2847 with a stop codon.
Molecular consequence: nonsense. On other transcripts: 3 prime UTR variant (5).
Genome position (GRCh38, 1-based): chr6:63,721,490, A>T on the plus strand (T>A on the coding strand, the complement: EYS is on the minus strand). VCF-style: chr6-63721490-A-T. GRCh37 (hg19) VCF-style: chr6-64431386-A-T.
Other names: c.*7782A>T (NM_001290259.2, NM_001370348.2, NM_001370349.2 and 2 more transcripts); c.8604T>A, p.Cys2868Ter (NM_001292009.2); short protein forms C2868*, C2847*.
Identifiers: ClinVar variation 1704515 (VCV001704515.3), dbSNP rs2533391491, ClinGen allele CA364384533.

ClinVar aggregate classification (germline): Likely pathogenic. Review status: criteria provided, multiple submitters, no conflicts (2 of 4 stars). 3 submissions from 3 submitters: Likely pathogenic (3). Last evaluated 2024-01-11.

Conditions:
Retinitis pigmentosa 25 (RP25). Identifiers: Orphanet 791, MedGen C1864446, MONDO:0011272, OMIM 602772.
Retinitis pigmentosa (RP). Identifiers: Orphanet 791, MedGen C0035334, MeSH D012174, MONDO:0019200, OMIM 268000. Inheritance: Autosomal dominant, autosomal recessive and X linked inheritance.

Submissions (3):

Fulgent Genetics
Classification: Likely pathogenic for Retinitis pigmentosa 25. Last evaluated: 2024-01-11. Review status: criteria provided, single submitter. Criteria: ACMG Guidelines, 2015. Collection method: clinical testing. Allele origin: germline.

Baylor Genetics
Classification: Likely pathogenic for Retinitis pigmentosa 25. Last evaluated: 2023-04-03. Review status: criteria provided, single submitter. Criteria: ACMG Guidelines, 2015. Collection method: clinical testing. Allele origin: unknown.

Women's Health and Genetics/Laboratory Corporation of America, LabCorp
Classification: Likely pathogenic for Retinitis pigmentosa. Last evaluated: 2022-07-30. Review status: criteria provided, single submitter. Criteria: LabCorp Variant Classification Summary - May 2015. Collection method: clinical testing. Allele origin: germline.
Comment: Variant summary: EYS c.8541T>A (p.Cys2847X) results in a premature termination codon, predicted to cause a truncation of the encoded protein or absence of the protein due to nonsense mediated decay, which are commonly known mechanisms for disease. The variant was absent in 156826 control chromosomes. To our knowledge, no occurrence of c.8541T>A in individuals affected with Retinitis Pigmentosa and no experimental evidence demonstrating its impact on protein function have been reported. No clinical diagnostic laboratories have submitted clinical-significance assessments for this variant to ClinVar after 2014. Based on the evidence outlined above, the variant was classified as likely pathogenic.